The following is an entry in ClinVar:

ClinVar aggregate classification (germline): Uncertain significance. Review status: criteria provided, multiple submitters, no conflicts (2 of 4 stars). 2 submissions from 2 submitters: Uncertain significance (2). Last evaluated 2026-05-22.

Conditions:
ETV6-related disorder. Also called: ETV6-related condition.
Inborn genetic diseases. Identifiers: MedGen C0950123, MeSH D030342.

gnomAD v4.1: 14 of 1,613,574 alleles (0.00087%); highest among the groups gnomAD compares: Non-Finnish European, 0.0012%; no homozygotes.

Submissions (2):

PreventionGenetics, part of Exact Sciences
Classification: Uncertain significance for ETV6-related condition. Last evaluated: 2026-05-22. Review status: criteria provided, single submitter. Criteria: ACMG Guidelines, 2015. Collection method: clinical testing. Allele origin: germline.
Comment: The ETV6 c.133G>A variant is predicted to result in the amino acid substitution p.Glu45Lys. To our knowledge, this variant has not been reported in the literature. This variant is reported in 0.00088% of alleles in individuals of European (Non-Finnish) descent in gnomAD. At this time, the clinical significance of this variant is uncertain due to the absence of conclusive functional and genetic evidence.

Ambry Genetics
Classification: Uncertain significance for Inborn genetic diseases. Last evaluated: 2025-05-31. Review status: criteria provided, single submitter. Criteria: Ambry Variant Classification Scheme 2023. Collection method: clinical testing. Allele origin: germline.
Comment: The p.E45K variant (also known as c.133G>A), located in coding exon 2 of the ETV6 gene, results from a G to A substitution at nucleotide position 133. The glutamic acid at codon 45 is replaced by lysine, an amino acid with similar properties. This amino acid position is conserved. In addition, this alteration is predicted to be tolerated by in silico analysis. Based on the available evidence, the clinical significance of this variant remains unclear.

NM_001987.5(ETV6):c.133G>A (p.Glu45Lys)

Gene: ETV6 (ETS variant transcription factor 6; plus strand). Cytogenetic location: 12p13.2.
Variant type: single nucleotide variant.
Coding change: c.133G>A on transcript NM_001987.5 (MANE Select); coding-DNA position 133, G replaced by A.
Protein change: p.Glu45Lys; replaces glutamic acid 45 with lysine.
Molecular consequence: missense variant. On other transcripts: intron variant (1).
Genome position (GRCh38, 1-based): chr12:11,752,549, G>A. VCF-style: chr12-11752549-G-A. GRCh37 (hg19) VCF-style: chr12-11905483-G-A.
Other names: c.130G>A, p.Glu44Lys (NM_001413913.1); c.106G>A, p.Glu36Lys (NM_001413914.1); c.133G>A, p.Glu45Lys (NM_001413916.1, NM_001413917.1, NM_001413918.1); c.-101-86591G>A (NM_001413915.1); short protein forms E36K, E44K, E45K.
Identifiers: ClinVar variation 4020113 (VCV004020113.2).